The following is an entry in ClinVar:

ClinVar aggregate classification (germline): Uncertain significance (1 of 4 stars; one submission).

Conditions:
LAMA2-related muscular dystrophy (LAMA2-RD). Also called: Laminin alpha 2-related dystrophy. Identifiers: MedGen C5679788, MONDO:0100228.

Submission:

Labcorp Genetics (formerly Invitae), Labcorp
Classification: Uncertain significance for LAMA2-related muscular dystrophy. Last evaluated: 2021-04-19. Review status: criteria provided, single submitter. Criteria: Invitae Variant Classification Sherloc (09022015). Collection method: clinical testing. Allele origin: germline.
Comment: This sequence change replaces valine with glycine at codon 2597 of the LAMA2 protein (p.Val2597Gly). The valine residue is moderately conserved and there is a moderate physicochemical difference between valine and glycine. This variant is not present in population databases (ExAC no frequency). This variant has not been reported in the literature in individuals with LAMA2-related conditions. Algorithms developed to predict the effect of missense changes on protein structure and function are either unavailable or do not agree on the potential impact of this missense change (SIFT: "Deleterious"; PolyPhen-2: "Probably Damaging"; Align-GVGD: "Class C0"). In summary, the available evidence is currently insufficient to determine the role of this variant in disease. Therefore, it has been classified as a Variant of Uncertain Significance.

NM_000426.4(LAMA2):c.7790T>G (p.Val2597Gly)

Gene: LAMA2 (laminin subunit alpha 2; plus strand). Cytogenetic location: 6q22.33.
Variant type: single nucleotide variant.
Coding change: c.7790T>G on transcript NM_000426.4 (MANE Select); coding-DNA position 7790, T replaced by G.
Protein change: p.Val2597Gly; replaces valine 2597 with glycine.
Molecular consequence: missense variant.
Genome position (GRCh38, 1-based): chr6:129,486,514, T>G. VCF-style: chr6-129486514-T-G. GRCh37 (hg19) VCF-style: chr6-129807659-T-G.
Other names: c.7778T>G, p.Val2593Gly (NM_001079823.2); short protein forms V2593G, V2597G.
Identifiers: ClinVar variation 1475658 (VCV001475658.8), dbSNP rs2114848910, ClinGen allele CA365629120.